The following is an entry in ClinVar:

NM_004655.4(AXIN2):c.1548C>T (p.His516=)

Gene: AXIN2 (axin 2; minus strand). Cytogenetic location: 17q24.1.
Variant type: single nucleotide variant.
Coding change: c.1548C>T on transcript NM_004655.4 (MANE Select); coding-DNA position 1548, C replaced by T.
Protein change: p.His516=; no amino-acid change (histidine 516 retained).
Molecular consequence: synonymous variant.
Genome position (GRCh38, 1-based): chr17:65,537,488, G>A on the plus strand (C>T on the coding strand, the complement: AXIN2 is on the minus strand). VCF-style: chr17-65537488-G-A. GRCh37 (hg19) VCF-style: chr17-63533606-G-A.
Other names: c.1548C>T, p.His516= (NM_001363813.1).
Identifiers: ClinVar variation 760547 (VCV000760547.14), dbSNP rs1598098830, ClinGen allele CA501691287.

ClinVar aggregate classification (germline): Benign/Likely benign. Review status: criteria provided, multiple submitters, no conflicts (2 of 4 stars). 3 submissions from 3 submitters: Benign (1); Likely benign (2). Last evaluated 2025-03-19.

Conditions:
Hereditary cancer-predisposing syndrome. Also called: Tumor predisposition; Neoplastic Syndromes, Hereditary; Hereditary Cancer Syndrome; Hereditary neoplastic syndrome. Identifiers: Orphanet 140162, MedGen C0027672, MeSH D009386, MONDO:0015356.
Oligodontia-cancer predisposition syndrome. Also called: TOOTH AGENESIS-COLORECTAL CANCER SYNDROME. Identifiers: Orphanet 300576, MedGen C1837750, MONDO:0012075, OMIM 608615. Disease mechanism: loss of function.

Allele frequency attached by ClinVar (database versions not stated): gnomAD exomes below 0.00001.
gnomAD v4.1: 1 of 1,613,934 alleles (0.000062%); highest among the groups gnomAD compares: Non-Finnish European, 0.000085%; no homozygotes.

Submissions (3):

Labcorp Genetics (formerly Invitae), Labcorp
Classification: Likely benign for Oligodontia-cancer predisposition syndrome. Last evaluated: 2025-03-19. Review status: criteria provided, single submitter. Criteria: Invitae Variant Classification Sherloc (09022015). Collection method: clinical testing. Allele origin: germline.

Myriad Genetics, Inc.
Classification: Benign for Oligodontia-cancer predisposition syndrome. Last evaluated: 2024-07-03. Review status: criteria provided, single submitter. Criteria: Myriad Autosomal Dominant, Autosomal Recessive and X-Linked Classification Criteria (2023). Collection method: clinical testing. Allele origin: unknown.
Comment: This variant is considered benign. This variant is a silent/synonymous amino acid change and it is not expected to impact splicing.

Ambry Genetics
Classification: Likely benign for Hereditary cancer-predisposing syndrome. Last evaluated: 2019-12-24. Review status: criteria provided, single submitter. Criteria: Ambry Variant Classification Scheme 2023. Collection method: clinical testing. Allele origin: germline.